The following is an entry in ClinVar:

NM_000233.4(LHCGR):c.681-6G>A

Genes: LHCGR (luteinizing hormone/choriogonadotropin receptor; minus strand), STON1-GTF2A1L (STON1-GTF2A1L readthrough; plus strand). Cytogenetic location: 2p16.3.
Variant type: single nucleotide variant.
Coding change: c.681-6G>A on transcript NM_000233.4 (MANE Select); 6 bases into the intron before coding-DNA position 681, G replaced by A.
Molecular consequence: intron variant.
Genome position (GRCh38, 1-based): chr2:48,698,806, C>T on the plus strand (G>A on the coding strand, the complement: LHCGR is on the minus strand). VCF-style: chr2-48698806-C-T. GRCh37 (hg19) VCF-style: chr2-48925945-C-T.
Other names: c.3441+27126C>T (NM_001198593.2).
Identifiers: ClinVar variation 897075 (VCV000897075.5), dbSNP rs575168674, ClinGen allele CA1653185.

ClinVar aggregate classification (germline): Conflicting classifications of pathogenicity. Review status: criteria provided, conflicting classifications (1 of 4 stars). 3 submissions from 2 submitters: Uncertain significance (1); Benign (1); Likely benign (1). Last evaluated 2025-05-13.

Conditions:
Leydig cell agenesis. Also called: LEYDIG CELL HYPOPLASIA WITH MALE PSEUDOHERMAPHRODITISM; LEYDIG CELL HYPOPLASIA, COMPLETE; Leydig cell hypoplasia, type 1; HYPERGONADOTROPIC HYPOGONADISM, MALE, DUE TO LHCGR DEFECT. Identifiers: MedGen C0266432, MONDO:0009384, OMIM 238320.
Gonadotropin-independent familial sexual precocity. Also called: Familial male-limited precocious puberty; TESTOTOXICOSIS, FAMILIAL. Identifiers: Orphanet 3000, MedGen C0342549, MONDO:0008303, OMIM 176410.

Allele frequency attached by ClinVar (database versions not stated): gnomAD exomes 0.00003 and 0.00006; TOPMed 0.00003; ExAC 0.00005; gnomAD 0.00006; 1000 Genomes Project 0.00020; 1000 Genomes Project 30x 0.00031.
gnomAD v4.1: 90 of 1,608,942 alleles (0.0056%); highest among the groups gnomAD compares: African/African-American, 0.013%; no homozygotes.

Submissions (3):

Labcorp Genetics (formerly Invitae), Labcorp
Classification: Likely benign. Last evaluated: 2025-05-13. Review status: criteria provided, single submitter. Criteria: Invitae Variant Classification Sherloc (09022015). Collection method: clinical testing. Allele origin: germline.

Illumina Laboratory Services, Illumina
Classification: Uncertain significance for Leydig cell agenesis. Last evaluated: 2018-03-30. Review status: criteria provided, single submitter. Criteria: ICSL Variant Classification Criteria 13 December 2019. Collection method: clinical testing. Allele origin: germline.

Illumina Laboratory Services, Illumina
Classification: Benign for Gonadotropin-independent familial sexual precocity. Last evaluated: 2018-03-26. Review status: criteria provided, single submitter. Criteria: ICSL Variant Classification Criteria 13 December 2019. Collection method: clinical testing. Allele origin: germline.
Comment: This variant was observed in the ICSL laboratory as part of a predisposition screen in an ostensibly healthy population. It had not been previously curated by ICSL or reported in the Human Gene Mutation Database (HGMD: prior to June 1st, 2018), and was therefore a candidate for classification through an automated scoring system. Utilizing variant allele frequency, disease prevalence and penetrance estimates, and inheritance mode, an automated score was calculated to assess if this variant is too frequent to cause the disease. Based on the score and internal cut-off values, a variant classified as benign is not then subjected to further curation. The score for this variant resulted in a classification of benign for this disease.